The following is an entry in ClinVar:

ClinVar aggregate classification (germline): Uncertain significance (1 of 4 stars; one submission).

Allele frequency attached by ClinVar (database versions not stated): gnomAD exomes below 0.00001.
gnomAD v4.1: 1 of 1,613,994 alleles (0.000062%); highest among the groups gnomAD compares: Non-Finnish European, 0.000085%; no homozygotes.

Submission:

Labcorp Genetics (formerly Invitae), Labcorp
Classification: Uncertain significance. Last evaluated: 2025-12-01. Review status: criteria provided, single submitter. Criteria: Invitae Variant Classification Sherloc (09022015). Collection method: clinical testing. Allele origin: germline.
Comment: This sequence change replaces glutamine, which is neutral and polar, with glutamic acid, which is acidic and polar, at codon 454 of the SLC46A1 protein (p.Gln454Glu). This variant is present in population databases (no rsID available, gnomAD 0.0009%). This variant has not been reported in the literature in individuals affected with SLC46A1-related conditions. ClinVar contains an entry for this variant (Variation ID: 2007533). Experimental studies and prediction algorithms are not available or were not evaluated, and the functional significance of this variant is currently unknown. In summary, the available evidence is currently insufficient to determine the role of this variant in disease. Therefore, it has been classified as a Variant of Uncertain Significance.

NM_080669.6(SLC46A1):c.1360C>G (p.Gln454Glu)

Genes: SARM1 (sterile alpha and TIR motif containing 1; plus strand), SLC46A1 (solute carrier family 46 member 1; minus strand). Cytogenetic location: 17q11.2.
Variant type: single nucleotide variant.
Coding change: c.1360C>G on transcript NM_080669.6 (MANE Select); coding-DNA position 1360, C replaced by G.
Protein change: p.Gln454Glu; replaces glutamine 454 with glutamic acid.
Molecular consequence: missense variant. On other transcripts: 3 prime UTR variant (1).
Genome position (GRCh38, 1-based): chr17:28,399,676, G>C on the plus strand (C>G on the coding strand, the complement: SLC46A1 is on the minus strand). VCF-style: chr17-28399676-G-C. GRCh37 (hg19) VCF-style: chr17-26726692-G-C.
Other names: c.1276C>G, p.Gln426Glu (NM_001242366.3); c.*3390G>C (NM_015077.4); short protein forms Q454E, Q426E.
Identifiers: ClinVar variation 2007533 (VCV002007533.4), dbSNP rs1555589089, ClinGen allele CA398340926.